The following is an entry in ClinVar:

NM_002292.4(LAMB2):c.4573+5G>A

Gene: LAMB2 (laminin subunit beta 2; minus strand). Cytogenetic location: 3p21.31.
Variant type: single nucleotide variant.
Coding change: c.4573+5G>A on transcript NM_002292.4 (MANE Select); 5 bases into the intron after coding-DNA position 4573, G replaced by A.
Molecular consequence: intron variant.
Genome position (GRCh38, 1-based): chr3:49,122,699, C>T on the plus strand (G>A on the coding strand, the complement: LAMB2 is on the minus strand). VCF-style: chr3-49122699-C-T. GRCh37 (hg19) VCF-style: chr3-49160132-C-T.
Identifiers: ClinVar variation 1210226 (VCV001210226.7), dbSNP rs372438959, ClinGen allele CA2393770.

ClinVar aggregate classification (germline): Uncertain significance. Review status: criteria provided, multiple submitters, no conflicts (2 of 4 stars). 3 submissions from 3 submitters: Uncertain significance (3). Last evaluated 2022-03-18.

Conditions:
Nephrotic syndrome. Identifiers: MedGen C0027726, MONDO:0005377, HP:0000100.
Pierson syndrome. Also called: MICROCORIA-CONGENITAL NEPHROTIC SYNDROME. Identifiers: Orphanet 2670, MedGen C1836876, MONDO:0012184, OMIM 609049.
LAMB2-related infantile-onset nephrotic syndrome. Also called: NEPHROTIC SYNDROME, TYPE 5, WITHOUT OCULAR ABNORMALITIES; NEPHROTIC SYNDROME, TYPE 5, WITH OCULAR ABNORMALITIES; Nephrotic Syndrome, type 5. Identifiers: Orphanet 306507, MedGen C3280113, MONDO:0013621, OMIM 614199.

Allele frequency attached by ClinVar (database versions not stated): ExAC 0.00001; gnomAD exomes 0.00001 and 0.00002; TOPMed 0.00002; gnomAD 0.00006; ESP Exome Variant Server 0.00008.
gnomAD v4.1: 18 of 1,612,340 alleles (0.0011%); highest among the groups gnomAD compares: African/African-American, 0.023%; no homozygotes.

Submissions (3):

Labcorp Genetics (formerly Invitae), Labcorp
Classification: Uncertain significance for LAMB2-related infantile-onset nephrotic syndrome; Pierson syndrome. Last evaluated: 2022-03-18. Review status: criteria provided, single submitter. Criteria: Invitae Variant Classification Sherloc (09022015). Collection method: clinical testing. Allele origin: germline.
Comment: This sequence change falls in intron 27 of the LAMB2 gene. It does not directly change the encoded amino acid sequence of the LAMB2 protein. It affects a nucleotide within the consensus splice site. This variant is present in population databases (rs372438959, gnomAD 0.02%). This variant has been observed in individual(s) with clinical features of LAMB2-related conditions (Invitae). In at least one individual the data is consistent with being in trans (on the opposite chromosome) from a pathogenic variant. ClinVar contains an entry for this variant (Variation ID: 1210226). Variants that disrupt the consensus splice site are a relatively common cause of aberrant splicing (PMID: 17576681, 9536098). Algorithms developed to predict the effect of sequence changes on RNA splicing suggest that this variant may disrupt the consensus splice site. In summary, the available evidence is currently insufficient to determine the role of this variant in disease. Therefore, it has been classified as a Variant of Uncertain Significance.

Fulgent Genetics
Classification: Uncertain significance for Pierson syndrome; LAMB2-related infantile-onset nephrotic syndrome. Last evaluated: 2022-02-16. Review status: criteria provided, single submitter. Criteria: ACMG Guidelines, 2015. Collection method: clinical testing. Allele origin: unknown.

UNC Molecular Genetics  Laboratory, University of North Carolina at Chapel Hill
Classification: Uncertain significance for Nephrotic syndrome. Last evaluated: 2021-04-02. Review status: criteria provided, single submitter. Criteria: ACMG Guidelines, 2015. Collection method: clinical testing. Allele origin: germline. Affected: yes. Observed: 1 compound heterozygote.

Literature cited by the submitters: PubMed 17576681 (cited by Labcorp Genetics (formerly Invitae), Labcorp); PubMed 9536098 (cited by Labcorp Genetics (formerly Invitae), Labcorp).